The following is an entry in ClinVar:

ClinVar aggregate classification (germline): Benign/Likely benign. Review status: criteria provided, multiple submitters, no conflicts (2 of 4 stars). 8 submissions from 8 submitters: Benign (2); Likely benign (6). Last evaluated 2026-01-26.

Conditions:
ATM-related cancer predisposition. Also called: ATM-related cancer susceptibility. Identifiers: MedGen CN377759, MONDO:0700270.
Hereditary cancer-predisposing syndrome. Also called: Tumor predisposition; Neoplastic Syndromes, Hereditary; Hereditary neoplastic syndrome; Hereditary Cancer Syndrome. Identifiers: Orphanet 140162, MedGen C0027672, MeSH D009386, MONDO:0015356.
Familial cancer of breast. Also called: hereditary breast carcinoma; BREAST CANCER, FAMILIAL; Hereditary breast cancer. Identifiers: Orphanet 227535, MedGen C0346153, MONDO:0016419, OMIM 114480. Disease mechanism: loss of function.
Ataxia-telangiectasia syndrome (AT). Also called: ATAXIA-TELANGIECTASIA, COMPLEMENTATION GROUP A; ATAXIA-TELANGIECTASIA, FRESNO VARIANT; Ataxia-telangiectasia; Ataxia-telangiectasia, complementation group E; Cerebello-oculocutaneous telangiectasia; Immunodeficiency with ataxia telangiectasia. Identifiers: Orphanet 100, MedGen C0004135, MONDO:0008840, OMIM 208900.

Allele frequency attached by ClinVar (database versions not stated): gnomAD exomes below 0.00001 and 0.00002; TOPMed 0.00002; gnomAD 0.00003.
gnomAD v4.1: 33 of 1,613,756 alleles (0.002%); highest among the groups gnomAD compares: Non-Finnish European, 0.0028%; no homozygotes.

Submissions (8):

Labcorp Genetics (formerly Invitae), Labcorp
Classification: Likely benign for Ataxia-telangiectasia syndrome. Last evaluated: 2026-01-26. Review status: criteria provided, single submitter. Criteria: Invitae Variant Classification Sherloc (09022015). Collection method: clinical testing. Allele origin: germline.

Myriad Genetics, Inc.
Classification: Benign for Familial cancer of breast. Last evaluated: 2024-05-23. Review status: criteria provided, single submitter. Criteria: Myriad Autosomal Dominant, Autosomal Recessive and X-Linked Classification Criteria (2023). Collection method: clinical testing. Allele origin: unknown.
Comment: This variant is considered benign. This variant is a silent/synonymous amino acid change and it is not expected to impact splicing.

Department of Pathology and Laboratory Medicine, Sinai Health System
Classification: Likely benign for ATM-related cancer predisposition. Last evaluated: 2024-04-22. Review status: criteria provided, single submitter. Criteria: ACMG Guidelines, 2015. Collection method: clinical testing. Allele origin: germline. Affected: yes.

Women's Health and Genetics/Laboratory Corporation of America, LabCorp
Classification: Likely benign. Last evaluated: 2023-11-30. Review status: criteria provided, single submitter. Criteria: LabCorp Variant Classification Summary - May 2015. Collection method: clinical testing. Allele origin: germline.

Blueprint Genetics
Classification: Likely benign. Last evaluated: 2023-05-09. Review status: criteria provided, single submitter. Criteria: ACMG Guidelines, 2015. Collection method: clinical testing. Allele origin: germline.

Color Diagnostics, LLC DBA Color Health
Classification: Likely benign for Hereditary cancer-predisposing syndrome. Last evaluated: 2015-11-30. Review status: criteria provided, single submitter. Criteria: ACMG Guidelines, 2015. Collection method: clinical testing. Allele origin: germline.

GeneDx
Classification: Benign. Last evaluated: 2015-07-06. Review status: criteria provided, single submitter. Criteria: GeneDx Variant Classification (06012015). Collection method: clinical testing. Allele origin: germline. Affected: yes.
Comment: This variant is considered likely benign or benign based on one or more of the following criteria: it is a conservative change, it occurs at a poorly conserved position in the protein, it is predicted to be benign by multiple in silico algorithms, and/or has population frequency not consistent with disease.

Ambry Genetics
Classification: Likely benign for Hereditary cancer-predisposing syndrome. Last evaluated: 2014-09-09. Review status: criteria provided, single submitter. Criteria: Ambry Variant Classification Scheme 2023. Collection method: clinical testing. Allele origin: germline.

NM_000051.4(ATM):c.5550A>G (p.Leu1850=)

Gene: ATM (ATM serine/threonine kinase; plus strand). Cytogenetic location: 11q22.3.
Variant type: single nucleotide variant.
Coding change: c.5550A>G on transcript NM_000051.4 (MANE Select); coding-DNA position 5550, A replaced by G.
Protein change: p.Leu1850=; no amino-acid change (leucine 1850 retained).
Molecular consequence: synonymous variant.
Genome position (GRCh38, 1-based): chr11:108,304,728, A>G. VCF-style: chr11-108304728-A-G. GRCh37 (hg19) VCF-style: chr11-108175455-A-G.
Other names: c.5550A>G, p.Leu1850= (NM_001351834.2).
Identifiers: ClinVar variation 184456 (VCV000184456.22), dbSNP rs35850088, ClinGen allele CA189014.